The following is an entry in ClinVar:

ClinVar aggregate classification (germline): Uncertain significance. Review status: criteria provided, single submitter (1 of 4 stars). 2 submissions from 2 submitters: Uncertain significance (1). 1 of the submissions does not count toward it. Last evaluated 2022-04-16.

Conditions:
Neuronal ceroid lipofuscinosis 1 (CLN1). Also called: PPT1-Related Neuronal Ceroid-Lipofuscinosis; CEROID LIPOFUSCINOSIS, NEURONAL, 1, VARIABLE AGE AT ONSET. Identifiers: Orphanet 228329, MedGen C1850451, MONDO:0009744, OMIM 256730.

Allele frequency attached by ClinVar (database versions not stated): gnomAD exomes below 0.00001 and 0.00001.

Submissions (2):

Labcorp Genetics (formerly Invitae), Labcorp
Classification: Uncertain significance for Neuronal ceroid lipofuscinosis 1. Last evaluated: 2022-04-16. Review status: criteria provided, single submitter. Criteria: Invitae Variant Classification Sherloc (09022015). Collection method: clinical testing. Allele origin: germline.
Comment: This sequence change replaces serine, which is neutral and polar, with proline, which is neutral and non-polar, at codon 293 of the PPT1 protein (p.Ser293Pro). This variant is present in population databases (no rsID available, gnomAD 0.006%). This variant has not been reported in the literature in individuals affected with PPT1-related conditions. ClinVar contains an entry for this variant (Variation ID: 991803). Algorithms developed to predict the effect of missense changes on protein structure and function (SIFT, PolyPhen-2, Align-GVGD) all suggest that this variant is likely to be tolerated. In summary, the available evidence is currently insufficient to determine the role of this variant in disease. Therefore, it has been classified as a Variant of Uncertain Significance.

Natera, Inc.
Classification: Uncertain significance for Neuronal ceroid lipofuscinosis 1. Last evaluated: 2020-09-04. Review status: no assertion criteria provided. Collection method: clinical testing. Allele origin: germline. Not counted in ClinVar's aggregate classification.

NM_000310.4(PPT1):c.877T>C (p.Ser293Pro)

Gene: PPT1 (palmitoyl-protein thioesterase 1; minus strand). Cytogenetic location: 1p34.2.
Variant type: single nucleotide variant.
Coding change: c.877T>C on transcript NM_000310.4 (MANE Select); coding-DNA position 877, T replaced by C.
Protein change: p.Ser293Pro; replaces serine 293 with proline.
Molecular consequence: missense variant.
Genome position (GRCh38, 1-based): chr1:40,074,105, A>G on the plus strand (T>C on the coding strand, the complement: PPT1 is on the minus strand). VCF-style: chr1-40074105-A-G. GRCh37 (hg19) VCF-style: chr1-40539777-A-G.
Other names: c.568T>C, p.Ser190Pro (NM_001142604.2); c.805T>C, p.Ser269Pro (NM_001363695.2); short protein forms S190P, S269P, S293P.
Identifiers: ClinVar variation 991803 (VCV000991803.3), dbSNP rs1304668396, ClinGen allele CA339845476.
Genomic context (GRCh38, chr1:40,074,105, plus strand): 5'-GTGAACTATACGGGTTTCATCCAAGGAATGGTATGATGTGGGCATAAAACCATTCTTCAG[A>G]CAACTGAAGATGGTCCCCTTCTGTAGCCAGAAACACTAGCTGTCCTGCATTGTCCATTTC-3'
Protein context (NP_000301.1, residues 283-303): LATEGDHLQL[Ser293Pro]EEWFYAHIIP